The following is an entry in ClinVar:

NM_182643.3(DLC1):c.2837C>G (p.Ser946Cys)

Gene: DLC1 (DLC1 Rho GTPase activating protein; minus strand). Cytogenetic location: 8p22.
Variant type: single nucleotide variant.
Coding change: c.2837C>G on transcript NM_182643.3 (MANE Select); coding-DNA position 2837, C replaced by G.
Protein change: p.Ser946Cys; replaces serine 946 with cysteine.
Molecular consequence: missense variant.
Genome position (GRCh38, 1-based): chr8:13,099,500, G>C on the plus strand (C>G on the coding strand, the complement: DLC1 is on the minus strand). VCF-style: chr8-13099500-G-C. GRCh37 (hg19) VCF-style: chr8-12957009-G-C.
Other names: c.1304C>G, p.Ser435Cys (NM_001164271.2, NM_001348082.2, NM_001348083.1 and 6 more transcripts); c.1628C>G, p.Ser543Cys (NM_001316668.2, NM_001413129.1); c.2837C>G, p.Ser946Cys (NM_001348081.2, NM_001413124.1); c.1619C>G, p.Ser540Cys (NM_001413130.1); c.1277C>G, p.Ser426Cys (NM_001413131.1, NM_001413137.1); c.1763C>G, p.Ser588Cys (NM_001413132.1); c.1526C>G, p.Ser509Cys (NM_001413135.1, NM_001413136.1, NM_001413139.1 and 1 more transcripts); c.1661C>G, p.Ser554Cys (NM_001413140.1); short protein forms S435C, S540C, S554C, S588C, S946C, S543C, S426C, S509C.
Identifiers: ClinVar variation 2092447 (VCV002092447.4), dbSNP rs1485171499, ClinGen allele CA370344253.

ClinVar aggregate classification (germline): Uncertain significance (1 of 4 stars; one submission).

Allele frequency attached by ClinVar (database versions not stated): TOPMed below 0.00001.

Submission:

Labcorp Genetics (formerly Invitae), Labcorp
Classification: Uncertain significance. Last evaluated: 2022-10-14. Review status: criteria provided, single submitter. Criteria: Invitae Variant Classification Sherloc (09022015). Collection method: clinical testing. Allele origin: germline.
Comment: This sequence change replaces serine, which is neutral and polar, with cysteine, which is neutral and slightly polar, at codon 946 of the DLC1 protein (p.Ser946Cys). This variant is not present in population databases (gnomAD no frequency). This variant has not been reported in the literature in individuals affected with DLC1-related conditions. Algorithms developed to predict the effect of missense changes on protein structure and function are either unavailable or do not agree on the potential impact of this missense change (SIFT: "Deleterious"; PolyPhen-2: "Probably Damaging"; Align-GVGD: "Class C0"). In summary, the available evidence is currently insufficient to determine the role of this variant in disease. Therefore, it has been classified as a Variant of Uncertain Significance.